The following is an entry in ClinVar:

NM_000316.3(PTH1R):c.1396G>A (p.Val466Ile)

Gene: PTH1R (parathyroid hormone 1 receptor; plus strand). Cytogenetic location: 3p21.31.
Variant type: single nucleotide variant.
Coding change: c.1396G>A on transcript NM_000316.3 (MANE Select); coding-DNA position 1396, G replaced by A.
Protein change: p.Val466Ile; replaces valine 466 with isoleucine.
Molecular consequence: missense variant.
Genome position (GRCh38, 1-based): chr3:46,903,270, G>A. VCF-style: chr3-46903270-G-A. GRCh37 (hg19) VCF-style: chr3-46944760-G-A.
Other names: c.1396G>A, p.Val466Ile (NM_001184744.1); short protein forms V466I.
Identifiers: ClinVar variation 3622552 (VCV003622552.2).

ClinVar aggregate classification (germline): Uncertain significance (1 of 4 stars; one submission).

Submission:

Labcorp Genetics (formerly Invitae), Labcorp
Classification: Uncertain significance. Last evaluated: 2024-05-01. Review status: criteria provided, single submitter. Criteria: Invitae Variant Classification Sherloc (09022015). Collection method: clinical testing. Allele origin: germline.
Comment: This sequence change replaces valine, which is neutral and non-polar, with isoleucine, which is neutral and non-polar, at codon 466 of the PTH1R protein (p.Val466Ile). This variant is not present in population databases (gnomAD no frequency). This variant has not been reported in the literature in individuals affected with PTH1R-related conditions. An algorithm developed to predict the effect of missense changes on protein structure and function (PolyPhen-2) suggests that this variant is likely to be disruptive. In summary, the available evidence is currently insufficient to determine the role of this variant in disease. Therefore, it has been classified as a Variant of Uncertain Significance.